The following is an entry in ClinVar:

NM_000090.4(COL3A1):c.3202-90A>G

Gene: COL3A1 (collagen type III alpha 1 chain; plus strand). Cytogenetic location: 2q32.2.
Variant type: single nucleotide variant.
Coding change: c.3202-90A>G on transcript NM_000090.4 (MANE Select); 90 bases into the intron before coding-DNA position 3202, A replaced by G.
Molecular consequence: intron variant.
Genome position (GRCh38, 1-based): chr2:189,006,847, A>G. VCF-style: chr2-189006847-A-G. GRCh37 (hg19) VCF-style: chr2-189871573-A-G.
Identifiers: ClinVar variation 673378 (VCV000673378.2), dbSNP rs10168216, ClinGen allele CA11280423.

ClinVar aggregate classification (germline): Benign. Review status: criteria provided, multiple submitters, no conflicts (2 of 4 stars). 2 submissions from 2 submitters: Benign (2). Last evaluated 2018-06-18.

Allele frequency attached by ClinVar (database versions not stated): gnomAD exomes 0.03075; gnomAD 0.08627 and 0.09133; 1000 Genomes Project 0.09285; TOPMed 0.09344; 1000 Genomes Project 30x 0.09760.
gnomAD v4.1: 48,106 of 1,278,598 alleles (3.8%); highest among the groups gnomAD compares: African/African-American, 24%; 2,484 homozygotes.

Submissions (2):

GeneDx
Classification: Benign. Last evaluated: 2018-06-18. Review status: criteria provided, single submitter. Criteria: GeneDx Variant Classification (06012015). Collection method: clinical testing. Allele origin: germline. Affected: yes.
Comment: This variant is considered likely benign or benign based on one or more of the following criteria: it is a conservative change, it occurs at a poorly conserved position in the protein, it is predicted to be benign by multiple in silico algorithms, and/or has population frequency not consistent with disease.

Breakthrough Genomics
Classification: Benign. Review status: criteria provided, single submitter. Criteria: ACMG Guidelines, 2015. Collection method: not provided. Allele origin: germline. Inheritance: Autosomal recessive inheritance. Affected: yes.